The following is an entry in ClinVar:

ClinVar aggregate classification (germline): Pathogenic (1 of 4 stars; one submission).

Conditions:
Spastic paraplegia. Identifiers: MedGen C0037772, HP:0001258.

Allele frequency attached by ClinVar (database versions not stated): TOPMed below 0.00001.

Submission:

Labcorp Genetics (formerly Invitae), Labcorp
Classification: Pathogenic for Spastic paraplegia. Last evaluated: 2020-03-09. Review status: criteria provided, single submitter. Criteria: Invitae Variant Classification Sherloc (09022015). Collection method: clinical testing. Allele origin: germline.
Comment: For these reasons, this variant has been classified as Pathogenic. Loss-of-function variants in ZFYVE26 are known to be pathogenic (PMID: 18394578, 19805727). A different variant (c.4181G>A) giving rise to the same protein effect observed here (p.Trp1394*) has been determined to be pathogenic (PMID: 26944241). This suggests that this variant is also likely to be causative of disease. This variant has not been reported in the literature in individuals with ZFYVE26-related conditions. This variant is not present in population databases (ExAC no frequency). This sequence change creates a premature translational stop signal (p.Trp1394*) in the ZFYVE26 gene. It is expected to result in an absent or disrupted protein product.

Literature cited by the submitters: PubMed 18394578; PubMed 19805727; PubMed 26944241.

NM_015346.4(ZFYVE26):c.4182G>A (p.Trp1394Ter)

Gene: ZFYVE26 (zinc finger FYVE-type containing 26; minus strand). Cytogenetic location: 14q24.1.
Variant type: single nucleotide variant.
Coding change: c.4182G>A on transcript NM_015346.4 (MANE Select); coding-DNA position 4182, G replaced by A.
Protein change: p.Trp1394Ter; replaces tryptophan 1394 with a stop codon.
Molecular consequence: nonsense.
Genome position (GRCh38, 1-based): chr14:67,782,970, C>T on the plus strand (G>A on the coding strand, the complement: ZFYVE26 is on the minus strand). VCF-style: chr14-67782970-C-T. GRCh37 (hg19) VCF-style: chr14-68249687-C-T.
Other names: short protein forms W1394*.
Identifiers: ClinVar variation 1069531 (VCV001069531.10), dbSNP rs2039543383, ClinGen allele CA390170669.
Genomic context (GRCh38, chr14:67,782,970, plus strand): 5'-ACTCAGTACATCTAGGGCAATGGGAGAATGTAGGCCCAGGAGAACGGTAGAAAGACTGGC[C>T]CAACCACAGAGATTCACTGCCAGACTCTGCCCCTGCTGCAAAGACCCTCGCAGGGGCTCC-3'